The following is an entry in ClinVar:

NM_000548.5(TSC2):c.4014A>T (p.Ser1338=)

Gene: TSC2 (TSC complex subunit 2; plus strand). Cytogenetic location: 16p13.3.
Variant type: single nucleotide variant.
Coding change: c.4014A>T on transcript NM_000548.5 (MANE Select); coding-DNA position 4014, A replaced by T.
Protein change: p.Ser1338=; no amino-acid change (serine 1338 retained).
Molecular consequence: synonymous variant. On other transcripts: non-coding transcript variant (5).
Genome position (GRCh38, 1-based): chr16:2,084,236, A>T. VCF-style: chr16-2084236-A-T. GRCh37 (hg19) VCF-style: chr16-2134237-A-T.
Other names: c.3813A>T, p.Ser1271= (NM_001077183.3); c.3945A>T, p.Ser1315= (NM_001114382.3); c.3705A>T, p.Ser1235= (NM_001318827.2); c.3669A>T, p.Ser1223= (NM_001318829.2); c.3282A>T, p.Ser1094= (NM_001318831.2); c.3846A>T, p.Ser1282= (NM_001318832.2); c.3816A>T, p.Ser1272= (NM_001363528.2); c.3882A>T, p.Ser1294= (NM_001370404.1); and 26 more.
Identifiers: ClinVar variation 4732834 (VCV004732834.1).

ClinVar aggregate classification (germline): Uncertain significance (1 of 4 stars; one submission).

Conditions:
Tuberous sclerosis 2 (TSC2). Identifiers: Orphanet 805, MedGen C1860707, MONDO:0013199, OMIM 613254.

Submission:

Labcorp Genetics (formerly Invitae), Labcorp
Classification: Uncertain significance for Tuberous sclerosis 2. Last evaluated: 2025-12-09. Review status: criteria provided, single submitter. Criteria: Invitae Variant Classification Sherloc (09022015). Collection method: clinical testing. Allele origin: germline.
Comment: This sequence change affects codon 1338 of the TSC2 mRNA. It is a 'silent' change, meaning that it does not change the encoded amino acid sequence of the TSC2 protein. RNA analysis indicates that this variant induces altered splicing and may result in an absent or altered protein product. This variant is not present in population databases (gnomAD no frequency). This variant has not been reported in the literature in individuals affected with TSC2-related conditions. Studies have shown that this variant results in activation of a cryptic splice site, and produces a non-functional protein and/or introduces a premature termination codon (internal data). In summary, the available evidence is currently insufficient to determine the role of this variant in disease. Therefore, it has been classified as a Variant of Uncertain Significance.